The following is an entry in ClinVar:

ClinVar aggregate classification (germline): Likely pathogenic (1 of 4 stars; one submission).

Conditions:
Myosin storage myopathy (CMYO7A). Also called: MYOPATHY, HYALINE BODY, AUTOSOMAL DOMINANT; Scapuloperoneal myopathy, MYH7-related; MYOPATHY WITH LYSIS OF TYPE I MYOFIBRILS; SCAPULOPERONEAL MUSCULAR DYSTROPHY; SCAPULOPERONEAL SYNDROME, MYOPATHIC TYPE; MYH7-related late-onset scapuloperoneal muscular dystrophy. Identifiers: Orphanet 437572, Orphanet 636965, MedGen C1842160, MONDO:0008409, OMIM 608358.

Submission:

Muscle and Diseases Team, Institut de Génétique et Biologie Moléculaire et Cellulaire
Classification: Likely pathogenic for Myosin storage myopathy. Last evaluated: 2024-03-01. Review status: criteria provided, single submitter. Criteria: ACMG Guidelines, 2015. Collection method: research. Allele origin: maternal. Affected: yes. Observed: 1 variant allele.
Comment: PM1+PM2+PP2+PP3+PP4

Literature cited by the submitters: DOI 10.1186/s13073-024-01353-0; PubMed 24828896.

NM_000257.4(MYH7):c.5168T>C (p.Leu1723Pro)

Genes: MHRT (myosin heavy chain associated RNA transcript; plus strand), MYH7 (myosin heavy chain 7; minus strand), LOC126861897 (BRD4-independent group 4 enhancer GRCh37_chr14:23884455-23885654; plus strand). Cytogenetic location: 14q11.2.
Variant type: single nucleotide variant.
Coding change: c.5168T>C on transcript NM_000257.4 (MANE Select); coding-DNA position 5168, T replaced by C.
Protein change: p.Leu1723Pro; replaces leucine 1723 with proline.
Molecular consequence: missense variant. On other transcripts: non-coding transcript variant (1).
Genome position (GRCh38, 1-based): chr14:23,415,496, A>G on the plus strand (T>C on the coding strand, the complement: MYH7 is on the minus strand). VCF-style: chr14-23415496-A-G. GRCh37 (hg19) VCF-style: chr14-23884705-A-G.
Other names: c.5168T>C, p.Leu1723Pro (NM_001407004.1); short protein forms L1723P.
Identifiers: ClinVar variation 3233262 (VCV003233262.3), dbSNP rs2502241335.